The following is an entry in ClinVar:

GRCh38/hg38 2q37.2(chr2:234731742-235717851)x3

Genes: AGAP1 (ArfGAP with GTPase domain, ankyrin repeat and PH domain 1; plus strand), AGAP1-IT1 (AGAP1 intronic transcript 1; plus strand), SH3BP4 (SH3 domain binding protein 4; plus strand), TNRC17 (trinucleotide repeat containing 17; minus strand), LOC112840910 (Sharpr-MPRA regulatory region 15004; plus strand) and 16 more. Cytogenetic location: 2q37.2.
Variant type: copy number gain.
Change: copy number 3 (three copies instead of two) of chr2:234,731,742-235,717,851 (986.1 kb, GRCh38 coordinates, 1-based), cytogenetic band 2q37.2.
Identifiers: ClinVar variation 58937 (VCV000058937.1).

ClinVar aggregate classification (germline): Uncertain significance (1 of 4 stars; one submission).

Submission:

ISCA site 14
Classification: Uncertain significance. Last evaluated: 2011-08-12. Review status: criteria provided, single submitter. Criteria: Kaminsky et al. (Genet Med. 2011). Collection method: clinical testing. Allele origin: maternal. Affected: yes. Observed: 1 variant allele.
Comment: Copy number variation identified through the course of routine clinical cytogenomic testing in postnatal populations. Clinical assertions have been curated as described in Kaminsky et al. 2011.